The following is an entry in ClinVar:

ClinVar aggregate classification (germline): Pathogenic. Review status: criteria provided, multiple submitters, no conflicts (2 of 4 stars). 3 submissions from 3 submitters: Pathogenic (3). Last evaluated 2022-03-15.

Conditions:
Hereditary cancer-predisposing syndrome. Also called: Hereditary Cancer Syndrome; Neoplastic Syndromes, Hereditary; Tumor predisposition; Hereditary neoplastic syndrome. Identifiers: Orphanet 140162, MedGen C0027672, MeSH D009386, MONDO:0015356.
Neurofibromatosis, type 1 (NF1). Also called: NEUROFIBROMATOSIS, TYPE I, SOMATIC; VON RECKLINGHAUSEN DISEASE; Peripheral type neurofibromatosis; Neurofibromatosis, type I. Identifiers: Orphanet 636, MedGen C0027831, MONDO:0018975, OMIM 162200. Disease mechanism: loss of function.

Allele frequency attached by ClinVar (database versions not stated): gnomAD exomes below 0.00001.

Submissions (3):

Genome-Nilou Lab
Classification: Pathogenic for Neurofibromatosis, type 1. Last evaluated: 2022-03-15. Review status: criteria provided, single submitter. Criteria: ACMG Guidelines, 2015. Collection method: clinical testing. Allele origin: germline. Affected: no.

Labcorp Genetics (formerly Invitae), Labcorp
Classification: Pathogenic for Neurofibromatosis, type 1. Last evaluated: 2019-05-14. Review status: criteria provided, single submitter. Criteria: Invitae Variant Classification Sherloc (09022015). Collection method: clinical testing. Allele origin: germline.
Comment: For these reasons, this variant has been classified as Pathogenic. Loss-of-function variants in NF1 are known to be pathogenic (PMID: 10712197, 23913538). This variant has not been reported in the literature in individuals with NF1-related conditions. ClinVar contains an entry for this variant (Variation ID: 187286). This variant is not present in population databases (ExAC no frequency). This sequence change creates a premature translational stop signal (p.Phe1275Leufs*9) in the NF1 gene. It is expected to result in an absent or disrupted protein product.

Ambry Genetics
Classification: Pathogenic for Hereditary cancer-predisposing syndrome. Last evaluated: 2014-12-08. Review status: criteria provided, single submitter. Criteria: Ambry Autosomal Dominant and X-Linked criteria (10/2015). Collection method: clinical testing. Allele origin: germline. Observed: 1 variant allele.
Comment: The c.3821dupT pathogenic mutation, located in coding exon 28 of the NF1 gene, results from a duplication of T at nucleotide position 3821, causing a translational frameshift with a predicted alternate stop codon. Since frameshifts are typically deleterious in nature, this alteration is interpreted as a disease-causing mutation (ACMG Recommendations for Standards for Interpretation and Reporting of Sequence Variations. Revision 2007. Genet Med. 2008;10:294).

Literature cited by the submitters: PubMed 10712197 (cited by Labcorp Genetics (formerly Invitae), Labcorp); PubMed 23913538 (cited by Labcorp Genetics (formerly Invitae), Labcorp).

NM_001042492.3(NF1):c.3821dup (p.Phe1275fs)

Gene: NF1 (neurofibromin 1; plus strand). Cytogenetic location: 17q11.2.
Variant type: Duplication.
Coding change: c.3821dup on transcript NM_001042492.3 (MANE Select); coding-DNA position 3821, one base duplicated (T; older notation c.3821dupT).
Protein change: p.Phe1275fs; shifts the reading frame from phenylalanine 1275.
Molecular consequence: frameshift variant.
Genome position (GRCh38, 1-based): chr17:31,235,723, T duplicated. VCF-style (leftmost placement, unchanged base first): chr17-31235722-C-CT. GRCh37 (hg19) VCF-style: chr17-29562740-C-CT.
Other names: c.3821dupT (NM_001042492.2); c.3821dup, p.Phe1275Leufs (NM_000267.4); short protein forms F1275fs.
Identifiers: ClinVar variation 187286 (VCV000187286.11), dbSNP rs786203614, ClinGen allele CA197248.
Genomic context (GRCh38, chr17:31,235,722, plus strand): 5'-TACCAACTGCTCTGGAACATGTTTTCTAAAGAAGTAGAATTGGCAGACTCCATGCAGACT[C>CT]TCTTCCGAGGCAACAGCTTGGCCAGTAAAATAATGACATTCTGTTTCAAGGTTTGTATCA-3'